The following is an entry in ClinVar:

NM_000066.4(C8B):c.1682G>A (p.Arg561His)

Gene: C8B (complement C8 beta chain; minus strand). Cytogenetic location: 1p32.2.
Variant type: single nucleotide variant.
Coding change: c.1682G>A on transcript NM_000066.4 (MANE Select); coding-DNA position 1682, G replaced by A.
Protein change: p.Arg561His; replaces arginine 561 with histidine.
Molecular consequence: missense variant.
Genome position (GRCh38, 1-based): chr1:56,929,498, C>T on the plus strand (G>A on the coding strand, the complement: C8B is on the minus strand). VCF-style: chr1-56929498-C-T. GRCh37 (hg19) VCF-style: chr1-57395171-C-T.
Other names: c.1526G>A, p.Arg509His (NM_001278543.2); c.1496G>A, p.Arg499His (NM_001278544.2); short protein forms R561H, R499H, R509H.
Identifiers: ClinVar variation 1903414 (VCV001903414.2), dbSNP rs774382351, ClinGen allele CA875546.
Genomic context (GRCh38, chr1:56,929,498, plus strand): 5'-GAACAGGGGCTACCCCCATTTTGAGGAGGTGGATTGTTACACTGCCTTTGTCTTGTCTTA[C>T]GTCTTCCAGAGCATGAAGACCAATTTGACCAGCAATTCCACTTCCCATCAATGGGGGTAT-3'
Protein context (NP_000057.3, residues 551-571): WSNWSSCSGR[Arg561His]KTRQRQCNNP

ClinVar aggregate classification (germline): Uncertain significance (1 of 4 stars; one submission).

Allele frequency attached by ClinVar (database versions not stated): TOPMed 0.00001; gnomAD 0.00003.

Submission:

Labcorp Genetics (formerly Invitae), Labcorp
Classification: Uncertain significance. Last evaluated: 2022-01-13. Review status: criteria provided, single submitter. Criteria: Invitae Variant Classification Sherloc (09022015). Collection method: clinical testing. Allele origin: germline.
Comment: This sequence change replaces arginine, which is basic and polar, with histidine, which is basic and polar, at codon 561 of the C8B protein (p.Arg561His). This variant is present in population databases (rs774382351, gnomAD 0.004%). This variant has not been reported in the literature in individuals affected with C8B-related conditions. Algorithms developed to predict the effect of missense changes on protein structure and function output the following: SIFT: "Tolerated"; PolyPhen-2: "Benign"; Align-GVGD: "Class C0". The histidine amino acid residue is found in multiple mammalian species, which suggests that this missense change does not adversely affect protein function. In summary, the available evidence is currently insufficient to determine the role of this variant in disease. Therefore, it has been classified as a Variant of Uncertain Significance.